The following is an entry in ClinVar:

NM_004999.4(MYO6):c.3586C>G (p.His1196Asp)

Gene: MYO6 (myosin VI; plus strand). Cytogenetic location: 6q14.1.
Variant type: single nucleotide variant.
Coding change: c.3586C>G on transcript NM_004999.4 (MANE Select); coding-DNA position 3586, C replaced by G.
Protein change: p.His1196Asp; replaces histidine 1196 with aspartic acid.
Molecular consequence: missense variant. On other transcripts: non-coding transcript variant (1).
Genome position (GRCh38, 1-based): chr6:75,914,209, C>G. VCF-style: chr6-75914209-C-G. GRCh37 (hg19) VCF-style: chr6-76623926-C-G.
Other names: c.3517C>G, p.His1173Asp (NM_001300899.2); c.3490C>G, p.His1164Asp (NM_001368136.1); c.3547C>G, p.His1183Asp (NM_001368137.1); c.3502C>G, p.His1168Asp (NM_001368138.1); c.3613C>G, p.His1205Asp (NM_001368865.1); c.3586C>G, p.His1196Asp (NM_001368866.1); short protein forms H1164D, H1168D, H1173D, H1183D, H1196D, H1205D.
Identifiers: ClinVar variation 1310791 (VCV001310791.2), dbSNP rs2149433696, ClinGen allele CA364762042.

ClinVar aggregate classification (germline): Uncertain significance (1 of 4 stars; one submission).

gnomAD v4.1: 1 of 1,614,164 alleles (0.000062%); highest among the groups gnomAD compares: Non-Finnish European, 0.000085%; no homozygotes.

Submission:

GeneDx
Classification: Uncertain significance. Last evaluated: 2019-12-02. Review status: criteria provided, single submitter. Criteria: GeneDx Variant Classification Process June 2021. Collection method: clinical testing. Allele origin: germline. Affected: yes.
Comment: Not observed in large population cohorts (Lek et al., 2016); In silico analysis, which includes protein predictors and evolutionary conservation, supports a deleterious effect; Has not been previously published as pathogenic or benign to our knowledge